The following is an entry in ClinVar:

NM_002485.5(NBN):c.900_924del (p.Gly301fs)

Gene: NBN (nibrin; minus strand). Cytogenetic location: 8q21.3.
Variant type: Deletion.
Coding change: c.900_924del on transcript NM_002485.5 (MANE Select); coding-DNA positions 900 to 924, 25 bases deleted (AGGTCTTAGACCTATTCCTGAAGCA).
Protein change: p.Gly301fs; shifts the reading frame from glycine 301.
Molecular consequence: frameshift variant.
Genome position (GRCh38, 1-based): chr8:89,964,480-89,964,504, TGCTTCAGGAATAGGTCTAAGACCT deleted on the plus strand (AGGTCTTAGACCTATTCCTGAAGCA on the coding strand, the reverse complement: NBN is on the minus strand); deleting any 25 consecutive bases within chr8:89,964,480-89,964,507 gives the same sequence; the c. name uses the placement nearest the transcript's 3' end. VCF-style (leftmost placement, unchanged base first): chr8-89964479-CTGCTTCAGGAATAGGTCTAAGACCT-C. GRCh37 (hg19) VCF-style: chr8-90976707-CTGCTTCAGGAATAGGTCTAAGACCT-C.
Other names: c.900_924del25 (NM_002485.4); c.654_678del, p.Gly219fs (NM_001024688.3); c.900del25 (NM_002485.4); short protein forms G219fs, G301fs.
Identifiers: ClinVar variation 375604 (VCV000375604.9), dbSNP rs1057519587, ClinGen allele CA16044377.

ClinVar aggregate classification (germline): Pathogenic/Likely pathogenic. Review status: criteria provided, multiple submitters, no conflicts (2 of 4 stars). 4 submissions from 4 submitters: Pathogenic (2); Likely pathogenic (1). 1 of the submissions does not count toward it. Last evaluated 2023-06-05.

Conditions:
Microcephaly, normal intelligence and immunodeficiency (NBS). Also called: Microcephaly with normal intelligence immunodeficiency and lymphoreticular malignancies; Nonsyndromal microcephaly autosomal recessive with normal intelligence; Seemanova syndrome 2; IMMUNODEFICIENCY, MICROCEPHALY, AND CHROMOSOMAL INSTABILITY; BERLIN BREAKAGE SYNDROME; SEEMANOVA SYNDROME II. Identifiers: Orphanet 647, MedGen C0398791, MONDO:0009623, OMIM 251260.
Aplastic anemia. Identifiers: Orphanet 182040, Orphanet 88, MedGen C0002874, MONDO:0015909, OMIM 609135, HP:0001915.
Hereditary cancer-predisposing syndrome. Also called: Neoplastic Syndromes, Hereditary; Hereditary neoplastic syndrome; Hereditary Cancer Syndrome; Tumor predisposition. Identifiers: Orphanet 140162, MedGen C0027672, MeSH D009386, MONDO:0015356.

Submissions (4):

Labcorp Genetics (formerly Invitae), Labcorp
Classification: Pathogenic for Microcephaly, normal intelligence and immunodeficiency. Last evaluated: 2023-06-05. Review status: criteria provided, single submitter. Criteria: Invitae Variant Classification Sherloc (09022015). Collection method: clinical testing. Allele origin: germline.
Comment: This sequence change creates a premature translational stop signal (p.Gly301Lysfs*6) in the NBN gene. It is expected to result in an absent or disrupted protein product. Loss-of-function variants in NBN are known to be pathogenic (PMID: 9590180, 16415040). This variant is not present in population databases (gnomAD no frequency). This variant has not been reported in the literature in individuals affected with NBN-related conditions. ClinVar contains an entry for this variant (Variation ID: 375604). Algorithms developed to predict the effect of sequence changes on RNA splicing suggest that this variant may create or strengthen a splice site. For these reasons, this variant has been classified as Pathogenic.

Baylor Genetics
Classification: Likely pathogenic for Aplastic anemia. Last evaluated: 2021-09-14. Review status: criteria provided, single submitter. Criteria: ACMG Guidelines, 2015. Collection method: clinical testing. Allele origin: unknown.

Ambry Genetics
Classification: Pathogenic for Hereditary cancer-predisposing syndrome. Last evaluated: 2020-03-30. Review status: criteria provided, single submitter. Criteria: Ambry Variant Classification Scheme 2023. Collection method: clinical testing. Allele origin: germline.
Comment: The c.900_924del25 pathogenic mutation (also known as p.G301Kfs*6) is located in coding exon 8 of the NBN gene, results from a deletion of 25 nucleotides at positions c.900 to c.925 causing a translational frameshift with a predicted alternate stop codon (p.G301Kfs*6). In addition to the clinical data presented in the literature, this alteration is expected to result in loss of function by premature protein truncation or nonsense-mediated mRNA decay. As such, this alteration is interpreted as a disease-causing mutation.

GeneReviews
Classification: Pathogenic for Microcephaly, normal intelligence and immunodeficiency. Last evaluated: 2017-02-02. Review status: no assertion criteria provided. Collection method: literature only. Allele origin: germline. Not counted in ClinVar's aggregate classification.

Literature cited by the submitters: PubMed 9590180 (cited by Labcorp Genetics (formerly Invitae), Labcorp); PubMed 16415040 (cited by Labcorp Genetics (formerly Invitae), Labcorp); PubMed 11288710 (cited by Ambry Genetics).